The following is an entry in ClinVar:

NM_001365276.2(TNXB):c.4655G>A (p.Gly1552Asp)

Gene: TNXB (tenascin XB; minus strand). Cytogenetic location: 6p21.33.
Variant type: single nucleotide variant.
Coding change: c.4655G>A on transcript NM_001365276.2 (MANE Select); coding-DNA position 4655, G replaced by A.
Protein change: p.Gly1552Asp; replaces glycine 1552 with aspartic acid.
Molecular consequence: missense variant.
Genome position (GRCh38, 1-based): chr6:32,073,673, C>T on the plus strand (G>A on the coding strand, the complement: TNXB is on the minus strand). VCF-style: chr6-32073673-C-T. GRCh37 (hg19) VCF-style: chr6-32041450-C-T.
Other names: c.4655G>A, p.Gly1552Asp (NM_019105.8); short protein forms G1552D.
Identifiers: ClinVar variation 2305777 (VCV002305777.3), dbSNP rs775647752, ClinGen allele CA3734916.
Genomic context (GRCh38, chr6:32,073,673, plus strand): 5'-CCAGAGATGAGGACTGAGTCCCCCCATTACTCACCCGTCACGATGACCACAGACAGGGGG[C>T]CCATGCGTTGCCCATCATGTAGTCCATACATGTTCATCTTATATTTTCTCTCAGGCTCCA-3'
Protein context (NP_001352205.1, residues 1542-1562): MYGLHDGQRM[Gly1552Asp]PLSVVIVTAP

ClinVar aggregate classification (germline): Uncertain significance (1 of 4 stars; one submission).

Conditions:
Cardiovascular phenotype. Identifiers: MedGen CN230736.

Allele frequency attached by ClinVar (database versions not stated): TOPMed below 0.00001; gnomAD 0.00001; gnomAD exomes 0.00001; ExAC 0.00001.
gnomAD v4.1: 14 of 1,609,120 alleles (0.00087%); highest among the groups gnomAD compares: African/African-American, 0.0013%; no homozygotes.

Submission:

Ambry Genetics
Classification: Uncertain significance for Cardiovascular phenotype. Last evaluated: 2025-04-24. Review status: criteria provided, single submitter. Criteria: Ambry Variant Classification Scheme 2023. Collection method: clinical testing. Allele origin: germline.
Comment: The p.G1552D variant (also known as c.4655G>A), located in coding exon 11 of the TNXB gene, results from a G to A substitution at nucleotide position 4655. The glycine at codon 1552 is replaced by aspartic acid, an amino acid with similar properties. This amino acid position is highly conserved in available vertebrate species. In addition, the in silico prediction for this alteration is inconclusive. Based on the available evidence, the clinical significance of this variant remains unclear.